The following is an entry in ClinVar:

NM_017777.4(MKS1):c.*26C>A

Gene: MKS1 (MKS transition zone complex subunit 1; minus strand). Cytogenetic location: 17q22.
Variant type: single nucleotide variant.
Coding change: c.*26C>A on transcript NM_017777.4 (MANE Select); 26 bases downstream of the stop codon, C replaced by A.
Molecular consequence: 3 prime UTR variant. On other transcripts: nonsense (1).
Genome position (GRCh38, 1-based): chr17:58,206,053, G>T on the plus strand (C>A on the coding strand, the complement: MKS1 is on the minus strand). VCF-style: chr17-58206053-G-T. GRCh37 (hg19) VCF-style: chr17-56283414-G-T.
Other names: c.*26C>A (NM_001321268.2); c.1623C>A, p.Cys541Ter (NM_001321269.2); c.*118C>A (NM_001330397.2); short protein forms C541*.
Identifiers: ClinVar variation 2629384 (VCV002629384.2), dbSNP rs942354453, ClinGen allele CA292007274.

ClinVar aggregate classification (germline): Uncertain significance (1 of 4 stars; one submission).

Conditions:
MKS1-related disorder. Also called: MKS1-related disorders; MKS1-related condition. Identifiers: MedGen CN239382.

Allele frequency attached by ClinVar (database versions not stated): gnomAD exomes 0.00001; TOPMed 0.00002; gnomAD 0.00003.
gnomAD v4.1: 22 of 1,595,772 alleles (0.0014%); highest among the groups gnomAD compares: Non-Finnish European, 0.0019%; no homozygotes.

Submission:

PreventionGenetics, part of Exact Sciences
Classification: Uncertain significance for MKS1-related condition. Last evaluated: 2025-12-24. Review status: criteria provided, single submitter. Criteria: ACMG Guidelines, 2015. Collection method: clinical testing. Allele origin: germline.
Comment: The MKS1 c.1623C>A variant is predicted to result in premature protein termination (p.Cys541*). To our knowledge, this variant has not been reported in the literature. This variant is reported in 0.0010% of alleles in individuals of European (Non-Finnish) descent in gnomAD. At this time, the clinical significance of this variant is uncertain due to the absence of conclusive functional and genetic evidence.